The following is an entry in ClinVar:

ClinVar aggregate classification (germline): Uncertain significance (1 of 4 stars; one submission).

gnomAD v4.1: 1 of 1,614,046 alleles (0.000062%); highest among the groups gnomAD compares: Admixed American, 0.0017%; no homozygotes.

Submission:

Labcorp Genetics (formerly Invitae), Labcorp
Classification: Uncertain significance. Last evaluated: 2025-06-17. Review status: criteria provided, single submitter. Criteria: Invitae Variant Classification Sherloc (09022015). Collection method: clinical testing. Allele origin: germline.
Comment: This sequence change replaces glutamine, which is neutral and polar, with histidine, which is basic and polar, at codon 64 of the ANKRD26 protein (p.Gln64His). This variant is not present in population databases (gnomAD no frequency). This variant has not been reported in the literature in individuals affected with ANKRD26-related conditions. An algorithm developed to predict the effect of missense changes on protein structure and function outputs the following: PolyPhen-2: "Benign". The histidine amino acid residue is found in multiple mammalian species, which suggests that this missense change does not adversely affect protein function. In summary, the available evidence is currently insufficient to determine the role of this variant in disease. Therefore, it has been classified as a Variant of Uncertain Significance.

NM_014915.3(ANKRD26):c.192G>C (p.Gln64His)

Gene: ANKRD26 (ankyrin repeat domain 26; minus strand). Cytogenetic location: 10p12.1.
Variant type: single nucleotide variant.
Coding change: c.192G>C on transcript NM_014915.3 (MANE Select); coding-DNA position 192, G replaced by C.
Protein change: p.Gln64His; replaces glutamine 64 with histidine.
Molecular consequence: missense variant.
Genome position (GRCh38, 1-based): chr10:27,100,135, C>G on the plus strand (G>C on the coding strand, the complement: ANKRD26 is on the minus strand). VCF-style: chr10-27100135-C-G. GRCh37 (hg19) VCF-style: chr10-27389064-C-G.
Other names: c.192G>C, p.Gln64His (NM_001256053.2); short protein forms Q64H.
Identifiers: ClinVar variation 4721547 (VCV004721547.1).